The following is an entry in ClinVar:

NM_016219.5(MAN1B1):c.1276_1277del (p.Gln426fs)

Gene: MAN1B1 (mannosidase alpha class 1B member 1; plus strand). Cytogenetic location: 9q34.3.
Variant type: Microsatellite.
Coding change: c.1276_1277del on transcript NM_016219.5 (MANE Select); coding-DNA positions 1276 to 1277, 2 bases deleted (CA; older notation c.1276_1277delCA).
Protein change: p.Gln426fs; shifts the reading frame from glutamine 426.
Molecular consequence: frameshift variant. On other transcripts: non-coding transcript variant (2).
Genome position (GRCh38, 1-based): chr9:137,106,146-137,106,147, CA deleted; deleting any 2 consecutive bases within chr9:137,106,143-137,106,147 gives the same sequence; the c. name uses the placement nearest the transcript's 3' end. VCF-style (leftmost placement, unchanged base first): chr9-137106142-GAC-G. GRCh37 (hg19) VCF-style: chr9-140000594-GAC-G.
Other names: short protein forms Q426fs.
Identifiers: ClinVar variation 203378 (VCV000203378.3), dbSNP rs794729645, ClinGen allele CA203884.
Genomic context (GRCh38, chr9:137,106,142, plus strand): 5'-TCGGCCCTGGCCAGTAAACCCACCATCCCCCTTTCTGCCGCAGGAGGCAGTGGAGAAGGT[GAC>G]ACAGCACATCCACGGCCTGTCTGGGAAGAAGGATGGGCTGGTGCCCATGTTCATCAATAC-3'

ClinVar aggregate classification (germline): Pathogenic. Review status: criteria provided, single submitter (1 of 4 stars). 2 submissions from 2 submitters: Pathogenic (1). 1 of the submissions does not count toward it. Last evaluated 2025-03-25.

Conditions:
Rafiq syndrome (RAFQS). Identifiers: Orphanet 88616, MedGen C3280127, MONDO:0013624, OMIM 614202.

Submissions (2):

Labcorp Genetics (formerly Invitae), Labcorp
Classification: Pathogenic for Rafiq syndrome. Last evaluated: 2025-03-25. Review status: criteria provided, single submitter. Criteria: Invitae Variant Classification Sherloc (09022015). Collection method: clinical testing. Allele origin: germline.
Comment: This sequence change creates a premature translational stop signal (p.Gln426Alafs*41) in the MAN1B1 gene. It is expected to result in an absent or disrupted protein product. Loss-of-function variants in MAN1B1 are known to be pathogenic (PMID: 24566669). This variant is not present in population databases (gnomAD no frequency). This variant has not been reported in the literature in individuals affected with MAN1B1-related conditions. For these reasons, this variant has been classified as Pathogenic.

Division of Human Genetics, Children's Hospital of Philadelphia
Classification: Pathogenic for Mental retardation, autosomal recessive 15. Last evaluated: 2015-05-07. Review status: no assertion criteria provided. Collection method: research. Allele origin: maternal. Affected: yes. Study: CSER-PediSeq. Not counted in ClinVar's aggregate classification.
Comment: Heterozygous pathogenic variant in the MAN1B1 gene (c.1276_1277delCA; p.Gln426Alafs*41). This variant has not been previously published in the literature, however this change is located in the Lumenal functional domain and results in a frameshift a premature termination. The resulted product is about 200 amino acids shorter than expected.

Literature cited by the submitters: PubMed 24566669 (cited by Labcorp Genetics (formerly Invitae), Labcorp).